The following is an entry in ClinVar:

ClinVar aggregate classification (germline): Uncertain significance (1 of 4 stars; one submission).

Submission:

CeGaT Center for Human Genetics Tuebingen
Classification: Uncertain significance. Last evaluated: 2024-02-01. Review status: criteria provided, single submitter. Criteria: CeGaT Center For Human Genetics Tuebingen Variant Classification Criteria Version 2. Collection method: clinical testing. Allele origin: germline. Affected: yes. Observed: 1 variant allele.
Comment: FOCAD: PM2, BP4

NM_001375567.1(FOCAD):c.3390C>A (p.Asp1130Glu)

Gene: FOCAD (focadhesin; plus strand). Cytogenetic location: 9p21.3.
Variant type: single nucleotide variant.
Coding change: c.3390C>A on transcript NM_001375567.1 (MANE Select); coding-DNA position 3390, C replaced by A.
Protein change: p.Asp1130Glu; replaces aspartic acid 1130 with glutamic acid.
Molecular consequence: missense variant.
Genome position (GRCh38, 1-based): chr9:20,933,086, C>A. VCF-style: chr9-20933086-C-A. GRCh37 (hg19) VCF-style: chr9-20933085-C-A.
Other names: c.3285C>A, p.Asp1095Glu (NM_001375568.1, NM_001375570.1); c.3390C>A, p.Asp1130Glu (NM_017794.5); short protein forms D1095E, D1130E.
Identifiers: ClinVar variation 3027282 (VCV003027282.22), dbSNP rs2492228764, ClinGen allele CA373052885.